The following is an entry in ClinVar:

ClinVar aggregate classification (germline): Uncertain significance. Review status: criteria provided, multiple submitters, no conflicts (2 of 4 stars). 2 submissions from 2 submitters: Uncertain significance (2). Last evaluated 2025-04-10.

Conditions:
Inborn genetic diseases. Identifiers: MedGen C0950123, MeSH D030342.

gnomAD v4.1: 5 of 1,614,024 alleles (0.00031%); highest among the groups gnomAD compares: Non-Finnish European, 0.00042%; no homozygotes.

Submissions (2):

Ambry Genetics
Classification: Uncertain significance for Inborn genetic diseases. Last evaluated: 2025-04-10. Review status: criteria provided, single submitter. Criteria: Ambry Variant Classification Scheme 2023. Collection method: clinical testing. Allele origin: germline.

Labcorp Genetics (formerly Invitae), Labcorp
Classification: Uncertain significance. Last evaluated: 2021-05-04. Review status: criteria provided, single submitter. Criteria: Invitae Variant Classification Sherloc (09022015). Collection method: clinical testing. Allele origin: germline.
Comment: This sequence change replaces glutamine with glutamic acid at codon 178 of the NEUROD1 protein (p.Gln178Glu). The glutamine residue is highly conserved and there is a small physicochemical difference between glutamine and glutamic acid. This variant is not present in population databases (ExAC no frequency). This variant has not been reported in the literature in individuals with NEUROD1-related conditions. Algorithms developed to predict the effect of missense changes on protein structure and function (SIFT, PolyPhen-2, Align-GVGD) all suggest that this variant is likely to be disruptive, but these predictions have not been confirmed by published functional studies and their clinical significance is uncertain. In summary, the available evidence is currently insufficient to determine the role of this variant in disease. Therefore, it has been classified as a Variant of Uncertain Significance.

NM_002500.5(NEUROD1):c.532C>G (p.Gln178Glu)

Gene: NEUROD1 (neuronal differentiation 1; minus strand). Cytogenetic location: 2q31.3.
Variant type: single nucleotide variant.
Coding change: c.532C>G on transcript NM_002500.5 (MANE Select); coding-DNA position 532, C replaced by G.
Protein change: p.Gln178Glu; replaces glutamine 178 with glutamic acid.
Molecular consequence: missense variant.
Genome position (GRCh38, 1-based): chr2:181,678,329, G>C on the plus strand (C>G on the coding strand, the complement: NEUROD1 is on the minus strand). VCF-style: chr2-181678329-G-C. GRCh37 (hg19) VCF-style: chr2-182543056-G-C.
Other names: c.532C>G (NM_002500.3); short protein forms Q178E.
Identifiers: ClinVar variation 1506155 (VCV001506155.9), dbSNP rs768505181, ClinGen allele CA349784626.